The following is an entry in ClinVar:

NM_014727.3(KMT2B):c.5537_5538delinsTT (p.Arg1846Leu)

Gene: KMT2B (lysine methyltransferase 2B; plus strand). Cytogenetic location: 19q13.12.
Variant type: Indel.
Coding change: c.5537_5538delinsTT on transcript NM_014727.3 (MANE Select); coding-DNA positions 5537 to 5538, GG replaced by TT.
Protein change: p.Arg1846Leu; replaces arginine 1846 with leucine.
Molecular consequence: missense variant.
Genome position (GRCh38, 1-based): chr19:35,732,007-35,732,008, GG replaced by TT. VCF-style: chr19-35732007-GG-TT. GRCh37 (hg19) VCF-style: chr19-36222908-GG-TT.
Other names: short protein forms R1846L.
Identifiers: ClinVar variation 4681153 (VCV004681153.1).

ClinVar aggregate classification (germline): Uncertain significance (1 of 4 stars; one submission).

Submission:

GeneDx
Classification: Uncertain significance. Last evaluated: 2025-07-03. Review status: criteria provided, single submitter. Criteria: GeneDx Variant Classification Process June 2021. Collection method: clinical testing. Allele origin: germline. Affected: yes.
Comment: Not observed at significant frequency in large population cohorts (gnomAD); In silico analysis suggests that this variant does not alter protein structure/function; In silico analysis suggests this variant may impact gene splicing. In the absence of RNA/functional studies, the actual effect of this sequence change is unknown.; Has not been previously published as pathogenic or benign to our knowledge